The following is an entry in ClinVar:

NM_001018115.3(FANCD2):c.3325G>A (p.Glu1109Lys)

Genes: FANCD2 (FA complementation group D2; plus strand), FANCD2OS (FANCD2 opposite strand; minus strand). Cytogenetic location: 3p25.3.
Variant type: single nucleotide variant.
Coding change: c.3325G>A on transcript NM_001018115.3 (MANE Select); coding-DNA position 3325, G replaced by A.
Protein change: p.Glu1109Lys; replaces glutamic acid 1109 with lysine.
Molecular consequence: missense variant. On other transcripts: intron variant (1).
Genome position (GRCh38, 1-based): chr3:10,085,912, G>A. VCF-style: chr3-10085912-G-A. GRCh37 (hg19) VCF-style: chr3-10127596-G-A.
Other names: c.3325G>A, p.Glu1109Lys (NM_001319984.2, NM_001374254.1, NM_033084.6); c.3214G>A, p.Glu1072Lys (NM_001374253.1); c.*44-4381C>T (NM_173472.2); short protein forms E1072K, E1109K.
Identifiers: ClinVar variation 2800245 (VCV002800245.3), dbSNP rs947583281, ClinGen allele CA70028673.

ClinVar aggregate classification (germline): Uncertain significance (1 of 4 stars; one submission).

Conditions:
Fanconi anemia (FA). Also called: Fanconi's anemia. Identifiers: Orphanet 84, MedGen C0015625, MeSH D005199, MONDO:0019391.

Allele frequency attached by ClinVar (database versions not stated): gnomAD exomes below 0.00001; gnomAD 0.00001; TOPMed 0.00003.
gnomAD v4.1: 7 of 1,608,320 alleles (0.00044%); highest among the groups gnomAD compares: African/African-American, 0.008%; no homozygotes.

Submission:

Labcorp Genetics (formerly Invitae), Labcorp
Classification: Uncertain significance for Fanconi anemia. Last evaluated: 2023-10-05. Review status: criteria provided, single submitter. Criteria: Invitae Variant Classification Sherloc (09022015). Collection method: clinical testing. Allele origin: germline.
Comment: This sequence change replaces glutamic acid, which is acidic and polar, with lysine, which is basic and polar, at codon 1109 of the FANCD2 protein (p.Glu1109Lys). This variant is present in population databases (no rsID available, gnomAD 0.02%). This variant has not been reported in the literature in individuals affected with FANCD2-related conditions. Advanced modeling of protein sequence and biophysical properties (such as structural, functional, and spatial information, amino acid conservation, physicochemical variation, residue mobility, and thermodynamic stability) performed at Invitae indicates that this missense variant is not expected to disrupt FANCD2 protein function. In summary, the available evidence is currently insufficient to determine the role of this variant in disease. Therefore, it has been classified as a Variant of Uncertain Significance.